The following is an entry in ClinVar:

Conditions:
Tetralogy of Fallot (TOF). Identifiers: Orphanet 3303, MedGen C0039685, MONDO:0008542, OMIM 187500, HP:0001636.

Allele frequency attached by ClinVar (database versions not stated): gnomAD exomes below 0.00001.

Submission:

Laboratory of Research in Genomics, Genetics and Bioinformatics, Hospital Infantil de Mexico Federico Gomez
No classification provided (evidence only). Condition: Tetralogy of Fallot. Review status: no classification provided. Collection method: in vitro. Allele origin: not applicable. Inheritance: Autosomal dominant inheritance. Functional consequence: Variation affecting splicing function of RNA. Study: TPM1 mutations in CHD.
Comment: "Likely pathogenic" was previously submitted as the classification for the variant. However, the classification appeared to be based only on an observation of functional data so it was converted to no classification on 2025-07-30.

Literature cited by the submitters: PubMed 28359939.

NM_001018005.2(TPM1):c.114+2T>C

Gene: TPM1 (tropomyosin 1; plus strand). Cytogenetic location: 15q22.2.
Variant type: single nucleotide variant.
Coding change: c.114+2T>C on transcript NM_001018005.2 (MANE Select); the canonical splice donor site of the intron after coding-DNA position 114, T replaced by C.
Molecular consequence: splice donor variant.
Genome position (GRCh38, 1-based): chr15:63,042,945, T>C. VCF-style: chr15-63042945-T-C. GRCh37 (hg19) VCF-style: chr15-63335144-T-C.
Other names: TPM1; c.114+2T>C (NM_001407327.1, NM_001407333.1, NM_001365779.1 and 24 more transcripts).
Identifiers: ClinVar variation 370039 (VCV000370039.4), dbSNP rs1114167357, ClinGen allele CA392718181.